The following is an entry in ClinVar:

ClinVar aggregate classification (germline): Pathogenic (1 of 4 stars; one submission).

Conditions:
Neurofibromatosis, type 1 (NF1). Also called: Peripheral type neurofibromatosis; VON RECKLINGHAUSEN DISEASE; NEUROFIBROMATOSIS, TYPE I, SOMATIC; Neurofibromatosis, type I. Identifiers: Orphanet 636, MedGen C0027831, MONDO:0018975, OMIM 162200. Disease mechanism: loss of function.

Submission:

Labcorp Genetics (formerly Invitae), Labcorp
Classification: Pathogenic for Neurofibromatosis, type 1. Last evaluated: 2024-07-30. Review status: criteria provided, single submitter. Criteria: Invitae Variant Classification Sherloc (09022015). Collection method: clinical testing. Allele origin: germline.
Comment: This sequence change creates a premature translational stop signal (p.Lys2407Ilefs*2) in the NF1 gene. It is expected to result in an absent or disrupted protein product. Loss-of-function variants in NF1 are known to be pathogenic (PMID: 10712197, 23913538). This variant is not present in population databases (gnomAD no frequency). This variant has not been reported in the literature in individuals affected with NF1-related conditions. For these reasons, this variant has been classified as Pathogenic.

Literature cited by the submitters: PubMed 10712197; PubMed 23913538.

NM_001042492.3(NF1):c.7283_7284del (p.Lys2428fs)

Gene: NF1 (neurofibromin 1; plus strand). Cytogenetic location: 17q11.2.
Variant type: Deletion.
Coding change: c.7283_7284del on transcript NM_001042492.3 (MANE Select); coding-DNA positions 7283 to 7284, 2 bases deleted (AA; older notation c.7283_7284delAA).
Protein change: p.Lys2428fs; shifts the reading frame from lysine 2428.
Molecular consequence: frameshift variant.
Genome position (GRCh38, 1-based): chr17:31,349,213-31,349,214, AA deleted; deleting any 2 consecutive bases within chr17:31,349,212-31,349,214 gives the same sequence; the c. name uses the placement nearest the transcript's 3' end. VCF-style (leftmost placement, unchanged base first): chr17-31349211-CAA-C. GRCh37 (hg19) VCF-style: chr17-29676229-CAA-C.
Other names: c.7220_7221delAA, p.Lys2407Ilefs (NM_000267.4); short protein forms K2407fs, K2428fs.
Identifiers: ClinVar variation 3660856 (VCV003660856.2).
Genomic context (GRCh38, chr17:31,349,211, plus strand): 5'-AAGAACAGTCAGAATTTTACATACACTACTAACTCTGGTTAACAAACACAGAAATTGTGA[CAA>C]ATTTGAAGTGAATACACAGAGCGTGGCCTACTTAGCAGGTAAAAACACAAAATAAACAAA-3'